The following is an entry in ClinVar:

ClinVar aggregate classification (germline): Uncertain significance. Review status: criteria provided, multiple submitters, no conflicts (2 of 4 stars). 2 submissions from 2 submitters: Uncertain significance (2). Last evaluated 2024-01-01.

Conditions:
Van Maldergem syndrome 2 (VMLDS2). Identifiers: Orphanet 314679, MedGen C3809875, MONDO:0014242, OMIM 615546.
Hennekam lymphangiectasia-lymphedema syndrome 2 (HKLLS2). Identifiers: Orphanet 2136, MedGen C4014939, MONDO:0014454, OMIM 616006.

Allele frequency attached by ClinVar (database versions not stated): gnomAD exomes below 0.00001.
gnomAD v4.1: 1 of 1,614,126 alleles (0.000062%); highest among the groups gnomAD compares: Admixed American, 0.0017%; no homozygotes.

Submissions (2):

Fulgent Genetics
Classification: Uncertain significance for Van Maldergem syndrome 2; Hennekam lymphangiectasia-lymphedema syndrome 2. Last evaluated: 2024-01-01. Review status: criteria provided, single submitter. Criteria: ACMG Guidelines, 2015. Collection method: clinical testing. Allele origin: germline.

Labcorp Genetics (formerly Invitae), Labcorp
Classification: Uncertain significance. Last evaluated: 2022-10-13. Review status: criteria provided, single submitter. Criteria: Invitae Variant Classification Sherloc (09022015). Collection method: clinical testing. Allele origin: germline.
Comment: In summary, the available evidence is currently insufficient to determine the role of this variant in disease. Therefore, it has been classified as a Variant of Uncertain Significance. Advanced modeling of protein sequence and biophysical properties (such as structural, functional, and spatial information, amino acid conservation, physicochemical variation, residue mobility, and thermodynamic stability) has been performed at Invitae for this missense variant, however the output from this modeling did not meet the statistical confidence thresholds required to predict the impact of this variant on FAT4 protein function. This variant has not been reported in the literature in individuals affected with FAT4-related conditions. This variant is present in population databases (no rsID available, gnomAD 0.003%). This sequence change replaces serine, which is neutral and polar, with threonine, which is neutral and polar, at codon 969 of the FAT4 protein (p.Ser969Thr).

NM_001291303.3(FAT4):c.2905T>A (p.Ser969Thr)

Gene: FAT4 (FAT atypical cadherin 4; plus strand). Cytogenetic location: 4q28.1.
Variant type: single nucleotide variant.
Coding change: c.2905T>A on transcript NM_001291303.3 (MANE Select); coding-DNA position 2905, T replaced by A.
Protein change: p.Ser969Thr; replaces serine 969 with threonine.
Molecular consequence: missense variant.
Genome position (GRCh38, 1-based): chr4:125,319,316, T>A. VCF-style: chr4-125319316-T-A. GRCh37 (hg19) VCF-style: chr4-126240471-T-A.
Other names: c.2905T>A, p.Ser969Thr (NM_001291285.3, NM_024582.6); c.2905T>A (NM_024582.5); short protein forms S969T.
Identifiers: ClinVar variation 1721520 (VCV001721520.6), dbSNP rs1387784398, ClinGen allele CA358121351.